The following is an entry in ClinVar:

NM_004304.5(ALK):c.902T>C (p.Met301Thr)

Gene: ALK (ALK receptor tyrosine kinase; minus strand). Cytogenetic location: 2p23.2.
Variant type: single nucleotide variant.
Coding change: c.902T>C on transcript NM_004304.5 (MANE Select); coding-DNA position 902, T replaced by C.
Protein change: p.Met301Thr; replaces methionine 301 with threonine.
Molecular consequence: missense variant.
Genome position (GRCh38, 1-based): chr2:29,694,900, A>G on the plus strand (T>C on the coding strand, the complement: ALK is on the minus strand). VCF-style: chr2-29694900-A-G. GRCh37 (hg19) VCF-style: chr2-29917766-A-G.
Other names: short protein forms M301T.
Identifiers: ClinVar variation 3223932 (VCV003223932.1), dbSNP rs372244228, ClinGen allele CA1594820.

ClinVar aggregate classification (germline): Uncertain significance (1 of 4 stars; one submission).

Conditions:
Hereditary cancer-predisposing syndrome. Also called: Tumor predisposition; Hereditary neoplastic syndrome; Hereditary Cancer Syndrome; Neoplastic Syndromes, Hereditary. Identifiers: Orphanet 140162, MedGen C0027672, MeSH D009386, MONDO:0015356.

Allele frequency attached by ClinVar (database versions not stated): gnomAD 0.00001; TOPMed 0.00001; ESP Exome Variant Server 0.00008.
gnomAD v4.1: 2 of 1,613,980 alleles (0.00012%); highest among the groups gnomAD compares: Non-Finnish European, 0.00017%; no homozygotes.

Submission:

Ambry Genetics
Classification: Uncertain significance for Hereditary cancer-predisposing syndrome. Last evaluated: 2024-02-23. Review status: criteria provided, single submitter. Criteria: Ambry Variant Classification Scheme 2023. Collection method: clinical testing. Allele origin: germline.
Comment: The p.M301T variant (also known as c.902T>C), located in coding exon 3 of the ALK gene, results from a T to C substitution at nucleotide position 902. The methionine at codon 301 is replaced by threonine, an amino acid with similar properties. This amino acid position is conserved. In addition, this alteration is predicted to be tolerated by in silico analysis. Based on the available evidence, the clinical significance of this alteration remains unclear.